The following is an entry in ClinVar:

ClinVar aggregate classification (germline): Uncertain significance (1 of 4 stars; one submission).

Conditions:
Cardiovascular phenotype. Identifiers: MedGen CN230736.

gnomAD v4.1: 3 of 1,613,032 alleles (0.00019%); highest among the groups gnomAD compares: African/African-American, 0.0027%; no homozygotes.

Submission:

Ambry Genetics
Classification: Uncertain significance for Cardiovascular phenotype. Last evaluated: 2026-02-24. Review status: criteria provided, single submitter. Criteria: Ambry Variant Classification Scheme 2023. Collection method: clinical testing. Allele origin: germline.
Comment: The p.G259S variant (also known as c.775G>A), located in coding exon 5 of the PCSK9 gene, results from a G to A substitution at nucleotide position 775. The glycine at codon 259 is replaced by serine, an amino acid with similar properties. This amino acid position is conserved. In addition, this alteration is predicted to be deleterious by in silico analysis. Based on the available evidence, the clinical significance of this variant remains unclear.

NM_174936.4(PCSK9):c.775G>A (p.Gly259Ser)

Gene: PCSK9 (proprotein convertase subtilisin/kexin type 9; plus strand). Cytogenetic location: 1p32.3.
Variant type: single nucleotide variant.
Coding change: c.775G>A on transcript NM_174936.4 (MANE Select); coding-DNA position 775, G replaced by A.
Protein change: p.Gly259Ser; replaces glycine 259 with serine.
Molecular consequence: missense variant. On other transcripts: non-coding transcript variant (8).
Genome position (GRCh38, 1-based): chr1:55,052,767, G>A. VCF-style: chr1-55052767-G-A. GRCh37 (hg19) VCF-style: chr1-55518440-G-A.
Other names: c.898G>A, p.Gly300Ser (NM_001407240.1); c.775G>A, p.Gly259Ser (NM_001407241.1, NM_001407244.1, NM_001407247.1); c.778G>A, p.Gly260Ser (NM_001407242.1); c.718G>A, p.Gly240Ser (NM_001407243.1); c.583G>A, p.Gly195Ser (NM_001407245.1); c.400G>A, p.Gly134Ser (NM_001407246.1); short protein forms G195S, G134S, G259S, G240S, G260S, G300S.
Identifiers: ClinVar variation 4827676 (VCV004827676.1).